The following is an entry in ClinVar:

NM_198488.5(SACK1H):c.2638G>A (p.Gly880Arg)

Gene: SACK1H (scaffolding CK1 anchoring protein H; minus strand). Cytogenetic location: 8q24.3.
Variant type: single nucleotide variant.
Coding change: c.2638G>A on transcript NM_198488.5 (MANE Select); coding-DNA position 2638, G replaced by A.
Protein change: p.Gly880Arg; replaces glycine 880 with arginine.
Molecular consequence: missense variant.
Genome position (GRCh38, 1-based): chr8:143,726,823, C>T on the plus strand (G>A on the coding strand, the complement: SACK1H is on the minus strand). VCF-style: chr8-143726823-C-T. GRCh37 (hg19) VCF-style: chr8-144808993-C-T.
Other names: short protein forms G880R.
Identifiers: ClinVar variation 3037691 (VCV003037691.3), dbSNP rs202057687, ClinGen allele CA4917173.

ClinVar aggregate classification (germline): Likely benign. Review status: criteria provided, single submitter (1 of 4 stars). 2 submissions from 2 submitters: Likely benign (1). 1 of the submissions does not count toward it. Last evaluated 2024-09-02.

Conditions:
FAM83H-related disorder. Also called: FAM83H-related condition.

Allele frequency attached by ClinVar (database versions not stated): gnomAD exomes 0.00008; ExAC 0.00029; 1000 Genomes Project 30x 0.00031; 1000 Genomes Project 0.00040; gnomAD 0.00081; ESP Exome Variant Server 0.00092; TOPMed 0.00109.

Submissions (2):

Blueprint Genetics
Classification: Likely benign. Last evaluated: 2024-09-02. Review status: criteria provided, single submitter. Criteria: ACMG Guidelines, 2015. Collection method: clinical testing. Allele origin: germline.

PreventionGenetics, part of Exact Sciences
Classification: Likely benign for FAM83H-related condition. Last evaluated: 2020-03-23. Review status: no assertion criteria provided. Collection method: clinical testing. Allele origin: germline. Not counted in ClinVar's aggregate classification.
Comment: This variant is classified as likely benign based on ACMG/AMP sequence variant interpretation guidelines (Richards et al. 2015 PMID: 25741868, with internal and published modifications).